The following is an entry in ClinVar:

ClinVar aggregate classification (germline): Pathogenic (1 of 4 stars; one submission).

Conditions:
Tay-Sachs disease (TSD). Also called: HEXA DEFICIENCY; GM2 gangliosidosis, type 1; Hexosaminidase alpha-subunit deficiency (variant B); Sphingolipidosis, Tay-Sachs; Hexosaminidase A Deficiency; HEXA Disorders. Identifiers: Orphanet 845, MedGen C0039373, MONDO:0010100, OMIM 272800.

Submission:

Myriad Genetics, Inc.
Classification: Pathogenic for Tay-Sachs disease. Last evaluated: 2023-09-27. Review status: criteria provided, single submitter. Criteria: Myriad Autosomal Dominant, Autosomal Recessive and X-Linked Classification Criteria (2023). Collection method: clinical testing. Allele origin: unknown.
Comment: NM_000520.4(HEXA):c.1232dupG(F412Lfs*19) is expected to be pathogenic in the context of hexosaminidase A deficiency. This variant is predicted to lead to an abnormal or absent protein product due to the creation of a premature termination codon in HEXA, a gene where loss-of-function variants are known to be pathogenic. Please note: this variant was assessed in the context of healthy population screening.

NM_000520.6(HEXA):c.1232dup (p.Phe412fs)

Gene: HEXA (hexosaminidase subunit alpha; minus strand). Cytogenetic location: 15q23.
Variant type: Duplication.
Coding change: c.1232dup on transcript NM_000520.6 (MANE Select); coding-DNA position 1232, one base duplicated (G; older notation c.1232dupG).
Protein change: p.Phe412fs; shifts the reading frame from phenylalanine 412.
Molecular consequence: frameshift variant.
Genome position (GRCh38, 1-based): chr15:72,346,625, C duplicated on the plus strand (G on the coding strand, the reverse complement: HEXA is on the minus strand); the first of 2 consecutive C bases (chr15:72,346,625-72,346,626); duplicating either gives the same sequence. VCF-style (leftmost placement, unchanged base first): chr15-72346624-G-GC. GRCh37 (hg19) VCF-style: chr15-72638965-G-GC.
Other names: c.1265dup, p.Phe423fs (NM_001318825.2); short protein forms F412fs, F423fs.
Identifiers: ClinVar variation 5012211 (VCV005012211.1).
Genomic context (GRCh38, chr15:72,346,624, plus strand): 5'-CCAGTCAGGGCCATAGGATATACGGTTCAGGTACCAGGGGGCAGAGAGAAGGGCCCGGAA[G>GC]CCGGCCTTGGTGACCAGTTCCAGCTCCTTCATATAGTTCACTGGAATATCCTCTCGCCAC-3'